The following is an entry in ClinVar:

ClinVar aggregate classification (germline): Likely benign. Review status: criteria provided, multiple submitters, no conflicts (2 of 4 stars). 2 submissions from 2 submitters: Likely benign (2). Last evaluated 2025-03-19.

Conditions:
Autosomal dominant nocturnal frontal lobe epilepsy 5. Also called: Epilepsy, nocturnal frontal lobe, 5; CILIARY DYSKINESIA, PRIMARY, 28, WITHOUT SITUS INVERSUS; CILIARY DYSKINESIA, PRIMARY, 28, WITH SITUS INVERSUS; KCNT1-Related Epilepsy. Identifiers: Orphanet 98784, MedGen C3554306, MONDO:0014002, OMIM 615005.
Developmental and epileptic encephalopathy, 14 (DEE14). Also called: Early infantile epileptic encephalopathy 14. Identifiers: Orphanet 293181, MedGen C3554195, MONDO:0013989, OMIM 614959.

Allele frequency attached by ClinVar (database versions not stated): gnomAD exomes 0.00001; ExAC 0.00002; TOPMed 0.00003.
gnomAD v4.1: 4 of 1,613,842 alleles (0.00025%); highest among the groups gnomAD compares: Admixed American, 0.0017%; no homozygotes.

Submissions (2):

Labcorp Genetics (formerly Invitae), Labcorp
Classification: Likely benign for Autosomal dominant nocturnal frontal lobe epilepsy 5; Developmental and epileptic encephalopathy, 14. Last evaluated: 2025-03-19. Review status: criteria provided, single submitter. Criteria: Invitae Variant Classification Sherloc (09022015). Collection method: clinical testing. Allele origin: germline.

GeneDx
Classification: Likely benign. Last evaluated: 2017-08-10. Review status: criteria provided, single submitter. Criteria: GeneDx Variant Classification (06012015). Collection method: clinical testing. Allele origin: germline. Affected: yes.
Comment: This variant is considered likely benign or benign based on one or more of the following criteria: it is a conservative change, it occurs at a poorly conserved position in the protein, it is predicted to be benign by multiple in silico algorithms, and/or has population frequency not consistent with disease.

NM_020822.3(KCNT1):c.2640G>C (p.Leu880=)

Gene: KCNT1 (potassium sodium-activated channel subfamily T member 1; plus strand). Cytogenetic location: 9q34.3.
Variant type: single nucleotide variant.
Coding change: c.2640G>C on transcript NM_020822.3 (MANE Select); coding-DNA position 2640, G replaced by C.
Protein change: p.Leu880=; no amino-acid change (leucine 880 retained).
Molecular consequence: synonymous variant.
Genome position (GRCh38, 1-based): chr9:135,778,733, G>C. VCF-style: chr9-135778733-G-C. GRCh37 (hg19) VCF-style: chr9-138670579-G-C.
Other names: c.2505G>C, p.Leu835= (NM_001272003.2).
Identifiers: ClinVar variation 511270 (VCV000511270.6), dbSNP rs773647691, ClinGen allele CA5327379.